The following is an entry in ClinVar:

NM_153033.5(KCTD7):c.*2656A>G

Gene: KCTD7 (potassium channel tetramerization domain containing 7; plus strand). Cytogenetic location: 7q11.21.
Variant type: single nucleotide variant.
Coding change: c.*2656A>G on transcript NM_153033.5 (MANE Select); 2656 bases downstream of the stop codon, A replaced by G.
Molecular consequence: 3 prime UTR variant.
Genome position (GRCh38, 1-based): chr7:66,641,888, A>G. VCF-style: chr7-66641888-A-G. GRCh37 (hg19) VCF-style: chr7-66106875-A-G.
Other names: c.*1494A>G (NM_001167961.2).
Identifiers: ClinVar variation 360619 (VCV000360619.6), dbSNP rs1860469, ClinGen allele CA10624196.

ClinVar aggregate classification (germline): Benign. Review status: criteria provided, multiple submitters, no conflicts (2 of 4 stars). 2 submissions from 2 submitters: Benign (2). Last evaluated 2018-01-12.

Conditions:
Progressive myoclonic epilepsy type 3. Also called: EPILEPSY, PROGRESSIVE MYOCLONIC, 3, WITH OR WITHOUT INTRACELLULAR INCLUSIONS; CEROID LIPOFUSCINOSIS, NEURONAL, 14; EPILEPSY, PROGRESSIVE MYOCLONIC, 3, WITHOUT INTRACELLULAR INCLUSIONS; KCTD7-Related Progressive Myoclonic Epilepsy. Identifiers: Orphanet 263516, MedGen C2673257, MONDO:0012721, OMIM 611726.

Allele frequency attached by ClinVar (database versions not stated): 1000 Genomes Project 0.62340; 1000 Genomes Project 30x 0.62758; gnomAD exomes 0.63566; TOPMed 0.66470; gnomAD 0.66704 and 0.67430.

Submissions (2):

Illumina Laboratory Services, Illumina
Classification: Benign for Progressive myoclonic epilepsy type 3. Last evaluated: 2018-01-12. Review status: criteria provided, single submitter. Criteria: ICSL Variant Classification Criteria 13 December 2019. Collection method: clinical testing. Allele origin: germline.
Comment: This variant was observed in the ICSL laboratory as part of a predisposition screen in an ostensibly healthy population. It had not been previously curated by ICSL or reported in the Human Gene Mutation Database (HGMD: prior to June 1st, 2018), and was therefore a candidate for classification through an automated scoring system. Utilizing variant allele frequency, disease prevalence and penetrance estimates, and inheritance mode, an automated score was calculated to assess if this variant is too frequent to cause the disease. Based on the score and internal cut-off values, a variant classified as benign is not then subjected to further curation. The score for this variant resulted in a classification of benign for this disease.

Breakthrough Genomics
Classification: Benign. Review status: criteria provided, single submitter. Criteria: ACMG Guidelines, 2015. Collection method: not provided. Allele origin: germline. Inheritance: Autosomal recessive inheritance. Affected: yes.